The following is an entry in ClinVar:

ClinVar aggregate classification (germline): Likely benign. Review status: criteria provided, multiple submitters, no conflicts (2 of 4 stars). 3 submissions from 3 submitters: Likely benign (3). Last evaluated 2026-09-14.

Conditions:
RNF213-related disorder. Also called: RNF213-related condition.

Allele frequency attached by ClinVar (database versions not stated): gnomAD 0.00041 and 0.00043; TOPMed 0.00045; ExAC 0.00058; ESP Exome Variant Server 0.00062; gnomAD exomes 0.00062 and 0.00071; 1000 Genomes Project 0.00100; 1000 Genomes Project 30x 0.00109.
gnomAD v4.1: 1,131 of 1,614,176 alleles (0.07%); highest among the groups gnomAD compares: South Asian, 0.15%; 4 homozygotes.

Submissions (3):

PreventionGenetics, part of Exact Sciences
Classification: Likely benign for RNF213-related condition. Last evaluated: 2026-09-14. Review status: criteria provided, single submitter. Criteria: ACMG Guidelines, 2015. Collection method: clinical testing. Allele origin: germline.
Comment: This variant is classified as likely benign based on ACMG/AMP sequence variant interpretation guidelines (Richards et al. 2015 PMID: 25741868, with internal and published modifications).

CeGaT Center for Human Genetics Tuebingen
Classification: Likely benign. Last evaluated: 2025-04-01. Review status: criteria provided, single submitter. Criteria: CeGaT Center For Human Genetics Tuebingen Variant Classification Criteria Version 2. Collection method: clinical testing. Allele origin: germline. Affected: yes. Observed: 2 variant alleles.
Comment: RNF213: BP4, BS2

Labcorp Genetics (formerly Invitae), Labcorp
Classification: Likely benign. Last evaluated: 2024-08-05. Review status: criteria provided, single submitter. Criteria: Invitae Variant Classification Sherloc (09022015). Collection method: clinical testing. Allele origin: germline.

NM_001256071.3(RNF213):c.13250G>A (p.Arg4417His)

Genes: RNF213 (ring finger protein 213; plus strand), RNF213-AS1 (RNF213 antisense RNA 1; minus strand). Cytogenetic location: 17q25.3.
Variant type: single nucleotide variant.
Coding change: c.13250G>A on transcript NM_001256071.3 (MANE Select); coding-DNA position 13250, G replaced by A.
Protein change: p.Arg4417His; replaces arginine 4417 with histidine.
Molecular consequence: missense variant.
Genome position (GRCh38, 1-based): chr17:80,376,365, G>A. VCF-style: chr17-80376365-G-A. GRCh37 (hg19) VCF-style: chr17-78350165-G-A.
Other names: short protein forms R4417H.
Identifiers: ClinVar variation 721771 (VCV000721771.20), dbSNP rs150148627, ClinGen allele CA8822517.